The following is an entry in ClinVar:

NC_000009.11:g.(?_130216807)_(130217919_?)dup

Gene: LRSAM1 (leucine rich repeat and sterile alpha motif containing 1; plus strand). Cytogenetic location: 9q33.3.
Variant type: Duplication.
Identifiers: ClinVar variation 3245250 (VCV003245250.1).

ClinVar aggregate classification (germline): Uncertain significance (1 of 4 stars; one submission).

Conditions:
Charcot-Marie-Tooth disease axonal type 2P. Also called: CHARCOT-MARIE-TOOTH NEUROPATHY, TYPE 2P; Charcot-Marie-Tooth Neuropathy Type 2G; CHARCOT-MARIE-TOOTH DISEASE, AXONAL, TYPE 2G; CMT 2G. Identifiers: Orphanet 300319, Orphanet 99941, MedGen C3280797, MONDO:0013753, OMIM 614436.

Submission:

Labcorp Genetics (formerly Invitae), Labcorp
Classification: Uncertain significance for Charcot-Marie-Tooth disease axonal type 2P. Last evaluated: 2023-12-22. Review status: criteria provided, single submitter. Criteria: Invitae Variant Classification Sherloc (09022015). Collection method: clinical testing. Allele origin: unknown.
Comment: This variant results in a copy number gain of the genomic region encompassing exon(s) 2-4 of the LRSAM1 gene. This region includes the initiator codon of the gene. This copy number gain extends beyond the assayed region for this gene and therefore may encompass additional genes. As the precise location of this event is unknown, it may be in tandem or it may be located elsewhere in the genome. This variant has not been reported in the literature in individuals affected with LRSAM1-related conditions. In summary, the available evidence is currently insufficient to determine the role of this variant in disease. Therefore, it has been classified as a Variant of Uncertain Significance.